The following is an entry in ClinVar:

ClinVar aggregate classification (germline): Benign. Review status: criteria provided, multiple submitters, no conflicts (2 of 4 stars). 2 submissions from 2 submitters: Benign (2). Last evaluated 2018-06-19.

Allele frequency attached by ClinVar (database versions not stated): TOPMed 0.23600; 1000 Genomes Project 0.30871; 1000 Genomes Project 30x 0.31027; gnomAD 0.22979 and 0.23041.
gnomAD v4.1: 232,913 of 1,534,208 alleles (15%); highest among the groups gnomAD compares: African/African-American, 46%; 23,768 homozygotes.

Submissions (2):

GeneDx
Classification: Benign. Last evaluated: 2018-06-19. Review status: criteria provided, single submitter. Criteria: GeneDx Variant Classification (06012015). Collection method: clinical testing. Allele origin: germline. Affected: yes.
Comment: This variant is considered likely benign or benign based on one or more of the following criteria: it is a conservative change, it occurs at a poorly conserved position in the protein, it is predicted to be benign by multiple in silico algorithms, and/or has population frequency not consistent with disease.

Breakthrough Genomics
Classification: Benign. Review status: criteria provided, single submitter. Criteria: ACMG Guidelines, 2015. Collection method: not provided. Allele origin: germline. Inheritance: Autosomal recessive inheritance. Affected: yes.

NM_016373.4(WWOX):c.1056+109A>C

Gene: WWOX (WW domain containing oxidoreductase; plus strand). Cytogenetic location: 16q23.1.
Variant type: single nucleotide variant.
Coding change: c.1056+109A>C on transcript NM_016373.4 (MANE Select); 109 bases into the intron after coding-DNA position 1056, A replaced by C.
Molecular consequence: intron variant.
Genome position (GRCh38, 1-based): chr16:78,432,861, A>C. VCF-style: chr16-78432861-A-C. GRCh37 (hg19) VCF-style: chr16-78466758-A-C.
Other names: c.717+109A>C (NM_001291997.2).
Identifiers: ClinVar variation 670871 (VCV000670871.2), dbSNP rs3764342, ClinGen allele CA14287105.